The following is an entry in ClinVar:

NM_001377265.1(MAPT):c.2091+3G>A

Gene: MAPT (microtubule associated protein tau). Cytogenetic location: 17q21.31.
Variant type: single nucleotide variant.
Coding change: c.2091+3G>A on transcript NM_001377265.1 (MANE Select); 3 bases into the intron after coding-DNA position 2091, G replaced by A.
Molecular consequence: intron variant.
Genome position (GRCh38, 1-based): chr17:46,010,405, G>A. VCF-style: chr17-46010405-G-A. GRCh37 (hg19) VCF-style: chr17-44087771-G-A.
Other names: IVS10, G-A, +1; c.649-3838G>A (NM_001377268.1, NM_016841.5); c.1920+3G>A (NM_001123066.4); c.1866+3G>A (NM_016835.5); c.915+3G>A (NM_005910.6); c.823-3838G>A (NM_001203252.2); c.1801-3838G>A (NM_001377266.1); c.828+3G>A (NM_001123067.4); and 2 more.
Identifiers: ClinVar variation 98218 (VCV000098218.7), dbSNP rs63750013, ClinGen allele CA225460.
Genomic context (GRCh38, chr17:46,010,405, plus strand): 5'-CGTCCAGTCCAAGTGTGGCTCAAAGGATAATATCAAACACGTCCCGGGAGGCGGCAGTGT[G>A]AGTACCTTCACACGTCCCATGCGCCGTGCTGTGGCTTGAATTATTAGGAAGTGGTGTGAG-3'

ClinVar aggregate classification (germline): Pathogenic. Review status: criteria provided, multiple submitters, no conflicts (2 of 4 stars). 5 submissions from 5 submitters: Pathogenic (3). 2 of the submissions do not count toward it. Last evaluated 2024-10-27.

Conditions:
Frontotemporal dementia (FTD1). Also called: Frontotemporal lobe dementia (FLDEM); WILHELMSEN-LYNCH DISEASE; FRONTOTEMPORAL DEMENTIA WITH PARKINSONISM; FRONTOTEMPORAL LOBE DEMENTIA; MULTIPLE SYSTEM TAUOPATHY WITH PRESENILE DEMENTIA; FRONTOTEMPORAL LOBAR DEGENERATION WITH TAU INCLUSIONS. Identifiers: Orphanet 282, MedGen C0338451, MONDO:0017276, OMIM 600274, HP:0002145.

Submissions (5):

Labcorp Genetics (formerly Invitae), Labcorp
Classification: Pathogenic for Frontotemporal dementia. Last evaluated: 2024-10-27. Review status: criteria provided, single submitter. Criteria: Invitae Variant Classification Sherloc (09022015). Collection method: clinical testing. Allele origin: germline.
Comment: This sequence change falls in intron 9 of the MAPT gene. It does not directly change the encoded amino acid sequence of the MAPT protein. It affects a nucleotide within the consensus splice site. This variant is not present in population databases (gnomAD no frequency). This variant has been observed in individual(s) with clinical features of MAPT-related conditions (PMID: 9636220, 25574752). It has also been observed to segregate with disease in related individuals. This variant is also known as IVS10+3G>A. ClinVar contains an entry for this variant (Variation ID: 98218). Variants that disrupt the consensus splice site are a relatively common cause of aberrant splicing (PMID: 17576681, 9536098). Algorithms developed to predict the effect of sequence changes on RNA splicing suggest that this variant is not likely to affect RNA splicing. For these reasons, this variant has been classified as Pathogenic.

GeneDx
Classification: Pathogenic. Last evaluated: 2024-09-17. Review status: criteria provided, single submitter. Criteria: GeneDx Variant Classification Process June 2021. Collection method: clinical testing. Allele origin: germline. Affected: yes.
Comment: Published functional studies demonstrate an increase in four-repeat over three-repeat tau isoforms, which leads to formation of abnormal tau filaments (PMID: 9636220, 37563653); Not observed at significant frequency in large population cohorts (gnomAD); Also known as IVS10+3G>A; This variant is associated with the following publications: (PMID: 25556536, 32184751, 16008820, 25525159, 9636220, 19786698, 10931371, 21568901, 21986680, 27222125, 22290573, 34274155, 34099697, 37563653, 30996196, 21849646, 21753165, 22818528, 25683866, 25628962, 33203472, 25574752)

Athena Diagnostics
Classification: Pathogenic. Last evaluated: 2017-03-15. Review status: criteria provided, single submitter. Criteria: Athena Diagnostics Criteria. Collection method: clinical testing. Allele origin: germline.

OMIM
Classification: Pathogenic for FRONTOTEMPORAL DEMENTIA 1. Last evaluated: 1998-06-23. Review status: no assertion criteria provided. Collection method: literature only. Allele origin: germline. Not counted in ClinVar's aggregate classification.

VIB  Department of Molecular Genetics, University of Antwerp
No classification provided. Review status: no classification provided. Collection method: not provided. Allele origin: not provided. Not counted in ClinVar's aggregate classification.

Literature cited by the submitters: PubMed 9636220 (cited by 3 submitters); PubMed 25574752 (cited by Labcorp Genetics (formerly Invitae), Labcorp and Athena Diagnostics); PubMed 17576681 (cited by Labcorp Genetics (formerly Invitae), Labcorp); PubMed 9536098 (cited by Labcorp Genetics (formerly Invitae), Labcorp); PubMed 25628962 (cited by Athena Diagnostics); PubMed 16008820 (cited by Athena Diagnostics); PubMed 10931371 (cited by Athena Diagnostics); PubMed 19786698 (cited by Athena Diagnostics).